The following is an entry in ClinVar:

ClinVar aggregate classification (germline): Uncertain significance. Review status: criteria provided, multiple submitters, no conflicts (2 of 4 stars). 2 submissions from 2 submitters: Uncertain significance (2). Last evaluated 2024-12-03.

Conditions:
Hereditary cancer-predisposing syndrome. Also called: Hereditary Cancer Syndrome; Hereditary neoplastic syndrome; Tumor predisposition; Neoplastic Syndromes, Hereditary. Identifiers: Orphanet 140162, MedGen C0027672, MeSH D009386, MONDO:0015356.
Rhabdoid tumor predisposition syndrome 2 (RTPS2). Identifiers: Orphanet 231108, Orphanet 69077, MedGen C2750074, MONDO:0013224, OMIM 613325.

Allele frequency attached by ClinVar (database versions not stated): gnomAD exomes below 0.00001; TOPMed 0.00001.
gnomAD v4.1: 1 of 1,612,506 alleles (0.000062%); highest among the groups gnomAD compares: Non-Finnish European, 0.000085%; no homozygotes.

Submissions (2):

Labcorp Genetics (formerly Invitae), Labcorp
Classification: Uncertain significance for Rhabdoid tumor predisposition syndrome 2. Last evaluated: 2024-12-03. Review status: criteria provided, single submitter. Criteria: Invitae Variant Classification Sherloc (09022015). Collection method: clinical testing. Allele origin: germline.
Comment: This sequence change replaces serine, which is neutral and polar, with arginine, which is basic and polar, at codon 1462 of the SMARCA4 protein (p.Ser1462Arg). This variant is not present in population databases (gnomAD no frequency). This variant has not been reported in the literature in individuals affected with SMARCA4-related conditions. ClinVar contains an entry for this variant (Variation ID: 972562). An algorithm developed to predict the effect of missense changes on protein structure and function (PolyPhen-2) suggests that this variant is likely to be tolerated. In summary, the available evidence is currently insufficient to determine the role of this variant in disease. Therefore, it has been classified as a Variant of Uncertain Significance.

Ambry Genetics
Classification: Uncertain significance for Hereditary cancer-predisposing syndrome. Last evaluated: 2024-03-13. Review status: criteria provided, single submitter. Criteria: Ambry Variant Classification Scheme 2023. Collection method: clinical testing. Allele origin: germline.
Comment: The p.S1462R variant (also known as c.4386C>A), located in coding exon 30 of the SMARCA4 gene, results from a C to A substitution at nucleotide position 4386. The serine at codon 1462 is replaced by arginine, an amino acid with dissimilar properties. This amino acid position is not well conserved in available vertebrate species. In addition, this alteration is predicted to be tolerated by in silico analysis. Based on the available evidence, the clinical significance of this alteration remains unclear.

NM_003072.5(SMARCA4):c.4290C>A (p.Ser1430Arg)

Gene: SMARCA4 (SWI/SNF related BAF chromatin remodeling complex subunit ATPase 4; plus strand). Cytogenetic location: 19p13.2.
Variant type: single nucleotide variant.
Coding change: c.4290C>A on transcript NM_003072.5 (MANE Select); coding-DNA position 4290, C replaced by A.
Protein change: p.Ser1430Arg; replaces serine 1430 with arginine.
Molecular consequence: missense variant. On other transcripts: non-coding transcript variant (1).
Genome position (GRCh38, 1-based): chr19:11,041,426, C>A. VCF-style: chr19-11041426-C-A. GRCh37 (hg19) VCF-style: chr19-11152102-C-A.
Other names: c.4290C>A, p.Ser1430Arg (NM_001128844.3); c.4200C>A, p.Ser1400Arg (NM_001128845.2, NM_001128846.2); c.4191C>A, p.Ser1397Arg (NM_001128847.4, NM_001128848.2, NM_001374457.1); c.4386C>A, p.Ser1462Arg (NM_001128849.3); short protein forms S1430R, S1397R, S1462R, S1400R.
Identifiers: ClinVar variation 972562 (VCV000972562.11), dbSNP rs879796805, ClinGen allele CA305294372.